The following continues an entry in ClinVar:

NM_007294.4(BRCA1):c.5068A>C (p.Lys1690Gln)

Gene: BRCA1. ClinVar aggregate classification (germline): Conflicting classifications of pathogenicity. Uncertain significance (7); Likely benign (6).

Submissions 10 to 16 of 16:

Breast Center, Key Laboratory of Carcinogenesis and Translational Research
Classification: Uncertain significance for Hereditary breast and ovarian cancer syndrome. Last evaluated: 2020-05-01. Review status: criteria provided, single submitter. Criteria: ACMG Guidelines, 2015. Collection method: clinical testing. Allele origin: germline. Observed: 2 variant alleles.

Ambry Genetics
Classification: Likely benign for Hereditary cancer-predisposing syndrome. Last evaluated: 2019-09-05. Review status: criteria provided, single submitter. Criteria: Ambry Variant Classification Scheme 2023. Collection method: clinical testing. Allele origin: germline.

Fulgent Genetics
Classification: Uncertain significance for Familial cancer of breast; Breast-ovarian cancer, familial, susceptibility to, 1; Pancreatic cancer, susceptibility to, 4; Fanconi anemia, complementation group S. Last evaluated: 2018-10-31. Review status: criteria provided, single submitter. Criteria: ACMG Guidelines, 2015. Collection method: clinical testing. Allele origin: unknown.

Laboratory of Molecular Diagnosis of Cancer, West China Hospital, Sichuan University
Classification: Uncertain significance for Breast neoplasm. Last evaluated: 2015-11-01. Review status: criteria provided, single submitter. Criteria: ACMG Guidelines, 2015. Collection method: research. Allele origin: germline. Affected: yes. Observed: 1 variant allele.

Sharing Clinical Reports Project (SCRP)
Classification: Likely benign for Breast-ovarian cancer, familial 1. Last evaluated: 2012-09-18. Review status: no assertion criteria provided. Collection method: clinical testing. Allele origin: germline. Not counted in ClinVar's aggregate classification.

Brotman Baty Institute, University of Washington
No classification provided (evidence only). Condition: Breast-ovarian cancer, familial 1. Review status: no classification provided. Collection method: in vitro. Allele origin: not applicable. Functional consequence: functionally_normal. Not counted in ClinVar's aggregate classification.
ClinVar note: "not provided" was previously submitted as the classification for the variant. However, the classification appeared to be based only on an observation of functional data so it was converted to no classification on 2025-07-30.

Department of Pathology and Laboratory Medicine, Sinai Health System
Classification: Uncertain significance for Malignant tumor of breast. Review status: no assertion criteria provided. Collection method: clinical testing. Allele origin: unknown. Affected: yes. Study: The Canadian Open Genetics Repository (COGR). Not counted in ClinVar's aggregate classification.
Comment: The BRCA1 p.Lys1690Gln variant was identified in 11 of 23576 proband chromosomes (frequency: 0.0005) from Asian individuals or families with breast and/or ovarian cancer and was present in 12 of 22482 control chromosomes (frequency: 0.0005) from healthy individuals (Momozawa 2018, Bhaskaran 2019, Ang 2007). The variant was also identified in dbSNP (ID: rs397507239) as "With Pathogenic, Uncertain significance allele", however it is noted that there is an alternate variant resulting in a stop codon at this position to which the pathogenic classification likely refers, ClinVar (classified as uncertain significance by Ambry Genetics, GeneDx, Color, Invitae and 3 other submitters; and as likely benign by SCRP), LOVD 3.0 (4 entries), UMD-LSDB (1 entry). The variant was identified in control databases in 8 of 277098 chromosomes at a frequency of 0.00003 (Genome Aggregation Database Feb 27, 2017). The variant was observed in the following populations: East Asian in 8 of 18864 chromosomes (freq: 0.0004), while the variant was not observed in the African, Other, Latino, European Non-Finnish, Ashkenazi Jewish, European Finnish, and South Asian populations. In a homology-directed repair assay this variant was shown to have activity comparable to wild type, though insufficient data was available to determine if the finding was statistically significant (Lu 2015). Protein sequence analysis suggests that Lys1690 plays a role in conjugation with small ubiquitin-like modifiers (SUMO) within the BRCT domain though the authors acknowledge that the exact site of conjugation remains unclear (Vialter 2011). The p.Lys1690 residue is conserved in mammals and computational analyses (PolyPhen-2, SIFT, AlignGVGD, BLOSUM, MutationTaster) provide inconsistent predictions regarding the impact to the protein; this information is not very predictive of pathogenicity. The variant occurs outside of the splicing consensus sequence and 2 of 4 in silico or computational prediction software programs (SpliceSiteFinder, MaxEntScan, NNSPLICE, GeneSplicer) predict a greater than 10% difference in splicing; this is not very predictive of pathogenicity. In summary, based on the above information the clinical significance of this variant cannot be determined with certainty at this time. This variant is classified as a variant of uncertain significance.

Literature cited by the submitters: PubMed 15365993 (cited by 3 submitters); PubMed 18006916 (cited by Quest Diagnostics Nichols Institute San Juan Capistrano and Women's Health and Genetics/Laboratory Corporation of America, LabCorp); PubMed 21147198 (cited by Quest Diagnostics Nichols Institute San Juan Capistrano and Ambry Genetics); PubMed 28664449 (cited by 4 submitters); PubMed 30209399 (cited by 5 submitters); PubMed 30257991 (cited by Quest Diagnostics Nichols Institute San Juan Capistrano and Sema4); PubMed 32467295 (cited by Quest Diagnostics Nichols Institute San Juan Capistrano and Sema4); PubMed 33471991 (cited by Quest Diagnostics Nichols Institute San Juan Capistrano and Sema4); PubMed 30287823 (cited by Quest Diagnostics Nichols Institute San Juan Capistrano); PubMed 35205313 (cited by Quest Diagnostics Nichols Institute San Juan Capistrano); PubMed 26689913 (cited by 4 submitters); PubMed 27257965 (cited by 3 submitters); PubMed 29263802 (cited by 3 submitters); PubMed 28294317 (cited by Quest Diagnostics Nichols Institute San Juan Capistrano and Women's Health and Genetics/Laboratory Corporation of America, LabCorp); PubMed 28364669 (cited by Quest Diagnostics Nichols Institute San Juan Capistrano and Women's Health and Genetics/Laboratory Corporation of America, LabCorp); PubMed 28111427 (cited by 3 submitters); PubMed 31294896 (cited by Women's Health and Genetics/Laboratory Corporation of America, LabCorp); PubMed 24772314 (cited by Ambry Genetics).